The following is an entry in ClinVar:

ClinVar aggregate classification (germline): Benign. Review status: criteria provided, single submitter (1 of 4 stars). 2 submissions from 2 submitters: Benign (1). 1 of the submissions does not count toward it. Last evaluated 2025-02-13.

Conditions:
KMT2D-related disorder. Also called: KMT2D-Related Disorders.
Kabuki syndrome. Also called: NIIKAWA-KUROKI SYNDROME; Kabuki make-up syndrome. Identifiers: Orphanet 2322, MedGen C0796004, MONDO:0016512.

Allele frequency attached by ClinVar (database versions not stated): gnomAD 0.00001.
gnomAD v4.1: 4 of 1,612,138 alleles (0.00025%); highest among the groups gnomAD compares: East Asian, 0.0089%; no homozygotes.

Submissions (2):

Labcorp Genetics (formerly Invitae), Labcorp
Classification: Benign for Kabuki syndrome. Last evaluated: 2025-02-13. Review status: criteria provided, single submitter. Criteria: Invitae Variant Classification Sherloc (09022015). Collection method: clinical testing. Allele origin: germline.

PreventionGenetics, part of Exact Sciences
Classification: Uncertain significance for KMT2D-related condition. Last evaluated: 2024-01-02. Review status: no assertion criteria provided. Collection method: clinical testing. Allele origin: germline. Not counted in ClinVar's aggregate classification.
Comment: The KMT2D c.10145T>C variant is predicted to result in the amino acid substitution p.Met3382Thr. To our knowledge, this variant has not been reported in the literature. This variant is reported in 0.026% of alleles in individuals of East Asian descent in gnomAD. At this time, the clinical significance of this variant is uncertain due to the absence of conclusive functional and genetic evidence.

NM_003482.4(KMT2D):c.10145T>C (p.Met3382Thr)

Gene: KMT2D (lysine methyltransferase 2D; minus strand). Cytogenetic location: 12q13.12.
Variant type: single nucleotide variant.
Coding change: c.10145T>C on transcript NM_003482.4 (MANE Select); coding-DNA position 10145, T replaced by C.
Protein change: p.Met3382Thr; replaces methionine 3382 with threonine.
Molecular consequence: missense variant.
Genome position (GRCh38, 1-based): chr12:49,037,211, A>G on the plus strand (T>C on the coding strand, the complement: KMT2D is on the minus strand). VCF-style: chr12-49037211-A-G. GRCh37 (hg19) VCF-style: chr12-49430994-A-G.
Other names: short protein forms M3382T.
Identifiers: ClinVar variation 3058751 (VCV003058751.3), dbSNP rs745688226, ClinGen allele CA6546605.